The following is an entry in ClinVar:

NM_006715.4(MAN2C1):c.2303G>A (p.Arg768Gln)

Gene: MAN2C1 (mannosidase alpha class 2C member 1; minus strand). Cytogenetic location: 15q24.2.
Variant type: single nucleotide variant.
Coding change: c.2303G>A on transcript NM_006715.4 (MANE Select); coding-DNA position 2303, G replaced by A.
Protein change: p.Arg768Gln; replaces arginine 768 with glutamine.
Molecular consequence: missense variant.
Genome position (GRCh38, 1-based): chr15:75,358,562, C>T on the plus strand (G>A on the coding strand, the complement: MAN2C1 is on the minus strand). VCF-style: chr15-75358562-C-T. GRCh37 (hg19) VCF-style: chr15-75650903-C-T.
Other names: c.2354G>A, p.Arg785Gln (NM_001256494.2); c.2303G>A, p.Arg768Gln (NM_001256495.2); c.2006G>A, p.Arg669Gln (NM_001256496.2); short protein forms R768Q, R669Q, R785Q.
Identifiers: ClinVar variation 1342927 (VCV001342927.6), dbSNP rs62029711, ClinGen allele CA7666268.
Genomic context (GRCh38, chr15:75,358,562, plus strand): 5'-ACAACCTCCTGGCTAAGCCGACTGTTGGGGCTGATCTGTAGCAAGAACCAGGCGCTGCCC[C>T]GCAGGCCGCCCTCGGTGCCCACTGCCAGGGTCCCTGCCTGGCCCAGCACAGGCTTCCTAT-3'
Protein context (NP_006706.2, residues 758-778): TLAVGTEGGL[Arg768Gln]GSAWFLLQIS

ClinVar aggregate classification (germline): Conflicting classifications of pathogenicity. Review status: criteria provided, conflicting classifications (1 of 4 stars). 6 submissions from 6 submitters: Uncertain significance (3); Likely benign (1). 2 of the submissions do not count toward it. Last evaluated 2026-09-01.

Conditions:
Congenital disorder of deglycosylation 2 (CDDG2). Identifiers: MedGen C5676931, MONDO:0030770, OMIM 619775.

Allele frequency attached by ClinVar (database versions not stated): 1000 Genomes Project 0.00220; 1000 Genomes Project 30x 0.00234; ESP Exome Variant Server 0.00285; gnomAD exomes 0.00335 and 0.00503; gnomAD 0.00338 and 0.00344; TOPMed 0.00349; ExAC 0.00362.
gnomAD v4.1: 7,902 of 1,613,432 alleles (0.49%); highest among the groups gnomAD compares: Middle Eastern, 1.3%; 22 homozygotes.

Submissions (6):

CeGaT Center for Human Genetics Tuebingen
Classification: Likely benign. Last evaluated: 2026-09-01. Review status: criteria provided, single submitter. Criteria: CeGaT Center For Human Genetics Tuebingen Variant Classification Criteria Version 2. Collection method: clinical testing. Allele origin: germline. Affected: yes. Observed: 1 variant allele.
Comment: MAN2C1: BP4, BS2

Women's Health and Genetics/Laboratory Corporation of America, LabCorp
Classification: Uncertain significance. Last evaluated: 2024-04-29. Review status: criteria provided, single submitter. Criteria: LabCorp Variant Classification Summary - May 2015. Collection method: clinical testing. Allele origin: germline.
Comment: Variant summary: MAN2C1 c.2303G>A (p.Arg768Gln) results in a conservative amino acid change located in the Glycosyl hydrolase family 38, C-terminal domain (IPR011682) of the encoded protein sequence. Four of five in-silico tools predict a benign effect of the variant on protein function. The variant allele was found at a frequency of 0.0049 in 1613432 control chromosomes in the gnomAD database, including 22 homozygotes, suggesting the variant may be benign. However, c.2303G>A has been reported in the literature in compound heterozygous individuals affected with clinical features of Congenital Disorder Of Deglycosylation 2 with mild clinical symptoms and lack of brain malformations (e.g. Maia_2022). These data indicate that the variant may be associated with disease. Additionally, at least one publication reports experimental evidence evaluating an impact on protein function, with cells carrying the variant showing a lack of ability to process larger free oligosaccharides in vitro in pulse-chase experiments (e.g. Maia_2022). These data suggest p.Arg768Gln may act as a hypomorphic allele where the phenotye is dependent on the presence of a null variant allele in trans. The following publications have been ascertained in the context of this evaluation (PMID: 31865343, 35045343). ClinVar contains an entry for this variant (Variation ID: 1342927). Based on the evidence outlined above, the variant was classified as uncertain significance.

Department of Pathology and Laboratory Medicine, Sinai Health System
Classification: Uncertain significance for Congenital disorder of deglycosylation 2. Last evaluated: 2023-07-25. Review status: criteria provided, single submitter. Criteria: ACMG Guidelines, 2015. Collection method: research. Allele origin: germline.

Institute of Human Genetics, University Hospital of Duesseldorf
Classification: Uncertain significance for Congenital disorder of deglycosylation 2. Review status: criteria provided, single submitter. Criteria: ACMG Guidelines, 2015. Collection method: not provided. Allele origin: germline. Inheritance: Autosomal recessive inheritance. Affected: yes.

Clinical Genetics Laboratory, University Hospital Schleswig-Holstein
Classification: Uncertain significance for Congenital disorder of deglycosylation 2. Last evaluated: 2024-01-18. Review status: no assertion criteria provided. Collection method: clinical testing. Allele origin: biparental. Affected: yes. Not counted in ClinVar's aggregate classification.

OMIM
Classification: Pathogenic for CONGENITAL DISORDER OF DEGLYCOSYLATION 2. Last evaluated: 2022-03-09. Review status: no assertion criteria provided. Collection method: literature only. Allele origin: germline. Not counted in ClinVar's aggregate classification.

Literature cited by the submitters: PubMed 35045343 (cited by Women's Health and Genetics/Laboratory Corporation of America, LabCorp and OMIM); PubMed 31865343 (cited by Women's Health and Genetics/Laboratory Corporation of America, LabCorp).